The following is an entry in ClinVar:

NM_001267550.2(TTN):c.65336C>T (p.Ala21779Val)

Genes: TTN (titin; minus strand), TTN-AS1 (TTN antisense RNA 1; plus strand). Cytogenetic location: 2q31.2.
Variant type: single nucleotide variant.
Coding change: c.65336C>T on transcript NM_001267550.2 (MANE Select); coding-DNA position 65336, C replaced by T.
Protein change: p.Ala21779Val; replaces alanine 21779 with valine.
Molecular consequence: missense variant. On other transcripts: non-coding transcript variant (1).
Genome position (GRCh38, 1-based): chr2:178,583,846, G>A on the plus strand (C>T on the coding strand, the complement: TTN is on the minus strand). VCF-style: chr2-178583846-G-A. GRCh37 (hg19) VCF-style: chr2-179448573-G-A.
Other names: c.60413C>T, p.Ala20138Val (NM_001256850.1); c.38141C>T, p.Ala12714Val (NM_003319.4); c.57632C>T, p.Ala19211Val (NM_133378.4); c.38516C>T, p.Ala12839Val (NM_133432.3); c.38717C>T, p.Ala12906Val (NM_133437.4); short protein forms A12714V, A12839V, A12906V, A19211V, A20138V, A21779V.
Identifiers: ClinVar variation 2506089 (VCV002506089.25), dbSNP rs758250372, ClinGen allele CA1991722.

ClinVar aggregate classification (germline): Uncertain significance. Review status: criteria provided, multiple submitters, no conflicts (2 of 4 stars). 2 submissions from 2 submitters: Uncertain significance (2). Last evaluated 2023-05-06.

Allele frequency attached by ClinVar (database versions not stated): gnomAD 0.00001; gnomAD exomes 0.00001; ExAC 0.00002; TOPMed 0.00002.
gnomAD v4.1: 14 of 1,608,466 alleles (0.00087%); highest among the groups gnomAD compares: Non-Finnish European, 0.00085%; no homozygotes.

Submissions (2):

Women's Health and Genetics/Laboratory Corporation of America, LabCorp
Classification: Uncertain significance. Last evaluated: 2023-05-06. Review status: criteria provided, single submitter. Criteria: LabCorp Variant Classification Summary - May 2015. Collection method: clinical testing. Allele origin: germline.

CeGaT Center for Human Genetics Tuebingen
Classification: Uncertain significance. Last evaluated: 2023-02-01. Review status: criteria provided, single submitter. Criteria: CeGaT Center For Human Genetics Tuebingen Variant Classification Criteria Version 2. Collection method: clinical testing. Allele origin: germline. Affected: yes. Observed: 1 variant allele.
Comment: TTN: PM2